The following is an entry in ClinVar:

NM_002250.3(KCNN4):c.841C>A (p.Leu281Met)

Gene: KCNN4 (potassium calcium-activated channel subfamily N member 4; minus strand). Cytogenetic location: 19q13.31.
Variant type: single nucleotide variant.
Coding change: c.841C>A on transcript NM_002250.3 (MANE Select); coding-DNA position 841, C replaced by A.
Protein change: p.Leu281Met; replaces leucine 281 with methionine.
Molecular consequence: missense variant.
Genome position (GRCh38, 1-based): chr19:43,769,808, G>T on the plus strand (C>A on the coding strand, the complement: KCNN4 is on the minus strand). VCF-style: chr19-43769808-G-T. GRCh37 (hg19) VCF-style: chr19-44273960-G-T.
Other names: short protein forms L281M.
Identifiers: ClinVar variation 4743481 (VCV004743481.1).

ClinVar aggregate classification (germline): Uncertain significance (1 of 4 stars; one submission).

Submission:

Labcorp Genetics (formerly Invitae), Labcorp
Classification: Uncertain significance. Last evaluated: 2025-06-29. Review status: criteria provided, single submitter. Criteria: Invitae Variant Classification Sherloc (09022015). Collection method: clinical testing. Allele origin: germline.
Comment: This sequence change replaces leucine, which is neutral and non-polar, with methionine, which is neutral and non-polar, at codon 281 of the KCNN4 protein (p.Leu281Met). This variant is not present in population databases (gnomAD no frequency). This variant has not been reported in the literature in individuals affected with KCNN4-related conditions. Invitae Evidence Modeling of protein sequence and biophysical properties (such as structural, functional, and spatial information, amino acid conservation, physicochemical variation, residue mobility, and thermodynamic stability) indicates that this missense variant is not expected to disrupt KCNN4 protein function with a negative predictive value of 80%. In summary, the available evidence is currently insufficient to determine the role of this variant in disease. Therefore, it has been classified as a Variant of Uncertain Significance.